The following is an entry in ClinVar:

NM_000038.6(APC):c.6659A>C (p.Asn2220Thr)

Gene: APC (APC regulator of Wnt signaling pathway; plus strand). Cytogenetic location: 5q22.2.
Variant type: single nucleotide variant.
Coding change: c.6659A>C on transcript NM_000038.6 (MANE Select); coding-DNA position 6659, A replaced by C.
Protein change: p.Asn2220Thr; replaces asparagine 2220 with threonine.
Molecular consequence: missense variant.
Genome position (GRCh38, 1-based): chr5:112,842,253, A>C. VCF-style: chr5-112842253-A-C. GRCh37 (hg19) VCF-style: chr5-112177950-A-C.
Other names: c.6659A>C, p.Asn2220Thr (NM_001127510.3, NM_001354895.2); c.6605A>C, p.Asn2202Thr (NM_001127511.3); c.6713A>C, p.Asn2238Thr (NM_001354896.2); c.6689A>C, p.Asn2230Thr (NM_001354897.2); c.6584A>C, p.Asn2195Thr (NM_001354898.2); c.6575A>C, p.Asn2192Thr (NM_001354899.2); c.6536A>C, p.Asn2179Thr (NM_001354900.2); c.6482A>C, p.Asn2161Thr (NM_001354901.2); and 5 more; short protein forms N1937T, N2060T, N2129T, N2220T, N2161T, N2195T, N2202T, N2230T.
Identifiers: ClinVar variation 1364572 (VCV001364572.8), dbSNP rs2149970004, ClinGen allele CA16035896.

ClinVar aggregate classification (germline): Uncertain significance (1 of 4 stars; one submission).

Conditions:
Familial adenomatous polyposis 1 (FAP1). Also called: POLYPOSIS, ADENOMATOUS INTESTINAL; FAMILIAL ADENOMATOUS POLYPOSIS 1, ATTENUATED. Identifiers: MedGen C2713442, MONDO:0021056, OMIM 175100. Disease mechanism: loss of function.

Submission:

Labcorp Genetics (formerly Invitae), Labcorp
Classification: Uncertain significance for Familial adenomatous polyposis 1. Last evaluated: 2021-06-29. Review status: criteria provided, single submitter. Criteria: Invitae Variant Classification Sherloc (09022015). Collection method: clinical testing. Allele origin: germline.
Comment: This variant is not present in population databases (ExAC no frequency). This variant has not been reported in the literature in individuals with APC-related conditions. Algorithms developed to predict the effect of missense changes on protein structure and function are either unavailable or do not agree on the potential impact of this missense change (SIFT: "Deleterious"; PolyPhen-2: "Benign"; Align-GVGD: "Class C0"). In summary, the available evidence is currently insufficient to determine the role of this variant in disease. Therefore, it has been classified as a Variant of Uncertain Significance. This sequence change replaces asparagine with threonine at codon 2220 of the APC protein (p.Asn2220Thr). The asparagine residue is highly conserved and there is a small physicochemical difference between asparagine and threonine.